The following is an entry in ClinVar:

ClinVar aggregate classification (germline): Likely pathogenic (1 of 4 stars; one submission).

Conditions:
Autosomal recessive limb-girdle muscular dystrophy type 2B (LGMDR2). Also called: MUSCULAR DYSTROPHY, LIMB-GIRDLE, TYPE 3; MUSCULAR DYSTROPHY, LIMB-GIRDLE, AUTOSOMAL RECESSIVE 2; Limb-Girdle Muscular Dystrophy Type 2B (LGMD2B); Limb-girdle muscular dystrophy, type 2B. Identifiers: Orphanet 268, MedGen C1850889, MONDO:0009676, OMIM 253601.

Submission:

Natera, Inc.
Classification: Likely pathogenic for Limb-girdle muscular dystrophy type 2B. Last evaluated: 2024-04-03. Review status: criteria provided, single submitter. Criteria: Natera Variant Classification Schema (03/2026). Collection method: clinical testing. Allele origin: germline.
Comment: The c.1612_1615dupCCCT variant in DYSF is a frameshift variant predicted to shift the reading frame beginning at codon 539 and leads to a stop codon 32 codons downstream. This variant is expected to result in nonsense mediated decay, truncation, or a dysfunctional protein product. This variant is rare in the general population with a frequency below the threshold expected for the associated phenotype(s). Given the available evidence, this variant is classified as Likely Pathogenic.

NM_001130987.2(DYSF):c.1666_1669dup (p.Tyr557fs)

Gene: DYSF (dysferlin; plus strand). Cytogenetic location: 2p13.2.
Variant type: Duplication.
Coding change: c.1666_1669dup on transcript NM_001130987.2 (MANE Select); coding-DNA positions 1666 to 1669, 4 bases duplicated (CCCT; older notation c.1666_1669dupCCCT).
Protein change: p.Tyr557fs; shifts the reading frame from tyrosine 557.
Molecular consequence: frameshift variant.
Genome position (GRCh38, 1-based): chr2:71,551,130-71,551,133, CCCT duplicated. VCF-style (leftmost placement, unchanged base first): chr2-71551129-C-CCCCT. GRCh37 (hg19) VCF-style: chr2-71778259-C-CCCCT.
Other names: c.1615_1618dup, p.Tyr540fs (NM_001130455.2, NM_001130983.2); c.1570_1573dup, p.Tyr525fs (NM_001130976.2, NM_001130977.2); c.1612_1615dup, p.Tyr539fs (NM_001130978.2, NM_003494.4); c.1705_1708dup, p.Tyr570fs (NM_001130979.2); c.1663_1666dup, p.Tyr556fs (NM_001130980.2, NM_001130981.2); c.1708_1711dup, p.Tyr571fs (NM_001130982.2); c.1573_1576dup, p.Tyr526fs (NM_001130984.2, NM_001130986.2); c.1666_1669dup, p.Tyr557fs (NM_001130985.2); short protein forms Y525fs, Y526fs, Y539fs, Y540fs, Y556fs, Y557fs, Y570fs, Y571fs.
Identifiers: ClinVar variation 4815129 (VCV004815129.1).